The following is an entry in ClinVar:

ClinVar aggregate classification (germline): Uncertain significance (1 of 4 stars; one submission).

Allele frequency attached by ClinVar (database versions not stated): TOPMed 0.00001; gnomAD 0.00003.
gnomAD v4.1: 5 of 1,581,634 alleles (0.00032%); highest among the groups gnomAD compares: African/African-American, 0.0068%; no homozygotes.

Submission:

Labcorp Genetics (formerly Invitae), Labcorp
Classification: Uncertain significance. Last evaluated: 2024-04-09. Review status: criteria provided, single submitter. Criteria: Invitae Variant Classification Sherloc (09022015). Collection method: clinical testing. Allele origin: germline.
Comment: This sequence change replaces glutamic acid, which is acidic and polar, with aspartic acid, which is acidic and polar, at codon 294 of the PLEKHM2 protein (p.Glu294Asp). This variant is present in population databases (no rsID available, gnomAD 0.01%). This variant has not been reported in the literature in individuals affected with PLEKHM2-related conditions. ClinVar contains an entry for this variant (Variation ID: 2068491). Algorithms developed to predict the effect of missense changes on protein structure and function output the following: SIFT: "Not Available"; PolyPhen-2: "Benign"; Align-GVGD: "Not Available". The aspartic acid amino acid residue is found in multiple mammalian species, which suggests that this missense change does not adversely affect protein function. In summary, the available evidence is currently insufficient to determine the role of this variant in disease. Therefore, it has been classified as a Variant of Uncertain Significance.

NM_015164.4(PLEKHM2):c.882G>C (p.Glu294Asp)

Gene: PLEKHM2 (pleckstrin homology and RUN domain containing M2; plus strand). Cytogenetic location: 1p36.21.
Variant type: single nucleotide variant.
Coding change: c.882G>C on transcript NM_015164.4 (MANE Select); coding-DNA position 882, G replaced by C.
Protein change: p.Glu294Asp; replaces glutamic acid 294 with aspartic acid.
Molecular consequence: missense variant.
Genome position (GRCh38, 1-based): chr1:15,725,486, G>C. VCF-style: chr1-15725486-G-C. GRCh37 (hg19) VCF-style: chr1-16051981-G-C.
Other names: c.822G>C, p.Glu274Asp (NM_001410755.1); short protein forms E274D, E294D.
Identifiers: ClinVar variation 2068491 (VCV002068491.4), dbSNP rs935553396, ClinGen allele CA18297365.